The following is an entry in ClinVar:

NM_001009944.3(PKD1):c.6566del (p.Val2189fs)

Gene: PKD1 (polycystin 1, transient receptor potential channel interacting; minus strand). Cytogenetic location: 16p13.3.
Variant type: Deletion.
Coding change: c.6566del on transcript NM_001009944.3 (MANE Select); coding-DNA position 6566, one base deleted (T; older notation c.6566delT).
Protein change: p.Val2189fs; shifts the reading frame from valine 2189.
Molecular consequence: frameshift variant.
Genome position (GRCh38, 1-based): chr16:2,108,601, A deleted on the plus strand (T on the coding strand, the reverse complement: PKD1 is on the minus strand). VCF-style (leftmost placement, unchanged base first): chr16-2108600-CA-C. GRCh37 (hg19) VCF-style: chr16-2158601-CA-C.
Other names: c.6566del, p.Val2189fs (NM_000296.4); short protein forms V2189fs.
Identifiers: ClinVar variation 5020043 (VCV005020043.1).
Genomic context (GRCh38, chr16:2,108,600, plus strand): 5'-CACGCCGGGCAGGGCCACACGCGCTGGGCGCCCCGGCCGCTGGCAGCTGGCGGTGCGATA[CA>C]CCTCCCAGCGGTACTCAGTCTGGTAGGTGACGCAGTCGCGCAGGTCAACGTGGGCCTCCA-3'

ClinVar aggregate classification (germline): Pathogenic (1 of 4 stars; one submission).

Conditions:
Polycystic kidney disease, adult type (PKD1). Also called: POLYCYSTIC KIDNEY DISEASE 1 WITH OR WITHOUT POLYCYSTIC LIVER DISEASE; POLYCYSTIC KIDNEY DISEASE, ADULT, TYPE I; Polycystic Kidney Disease 1, Autosomal Dominant; Polycystic kidney disease 1; Polycystic kidney disease 1, severe; Polycystic Kidney, Autosomal Dominant. Identifiers: MedGen C3149841, MONDO:0008263, OMIM 173900.

Submission:

Juno Genomics, Hangzhou Juno Genomics, Inc
Classification: Pathogenic for Polycystic kidney disease, adult type. Review status: criteria provided, single submitter. Criteria: ACMG Guidelines, 2015. Collection method: clinical testing. Allele origin: germline. Affected: yes.
Comment: Absent from controls (or at extremely low frequency if recessive) in Genome Aggregation Database.;Null variant in a gene where loss of function (LOF) is a known mechanism of disease.;Patient's phenotype or family history is highly specific for a disease with a single genetic etiology.